The following is an entry in ClinVar:

NM_000368.5(TSC1):c.1264-4T>C

Gene: TSC1 (TSC complex subunit 1; minus strand). Cytogenetic location: 9q34.13.
Variant type: single nucleotide variant.
Coding change: c.1264-4T>C on transcript NM_000368.5 (MANE Select); 4 bases into the intron before coding-DNA position 1264, T replaced by C.
Molecular consequence: intron variant.
Genome position (GRCh38, 1-based): chr9:132,907,374, A>G on the plus strand (T>C on the coding strand, the complement: TSC1 is on the minus strand). VCF-style: chr9-132907374-A-G. GRCh37 (hg19) VCF-style: chr9-135782761-A-G.
Other names: c.898-4T>C (NM_001406620.1, NM_001406625.1, NM_001406621.1 and 2 more transcripts); c.901-4T>C (NM_001406618.1, NM_001406617.1, NM_001406619.1 and 5 more transcripts); c.1108-4T>C (NM_001406613.1, NM_001406612.1, NM_001406611.1); c.1111-4T>C (NM_001406610.1, NM_001162427.2); c.310-4T>C (NM_001406627.1, NM_001406628.1); c.211-4T>C (NM_001406629.1, NM_001406630.1); c.1261-4T>C (NM_001406603.1, NM_001406609.1, NM_001406597.1 and 6 more transcripts); c.1264-4T>C (NM_001406602.1, NM_001406606.1, NM_001406592.1 and 7 more transcripts); and 1 more.
Identifiers: ClinVar variation 4071170 (VCV004071170.1).

ClinVar aggregate classification (germline): Likely benign (1 of 4 stars; one submission).

Conditions:
Tuberous sclerosis 1 (TSC1). Identifiers: Orphanet 805, MedGen C1854465, MONDO:0008612, OMIM 191100.

Submission:

Myriad Genetics, Inc.
Classification: Likely benign for Tuberous sclerosis 1. Last evaluated: 2025-04-09. Review status: criteria provided, single submitter. Criteria: Myriad Autosomal Dominant, Autosomal Recessive and X-Linked Classification Criteria (2023). Collection method: clinical testing. Allele origin: unknown.
Comment: This variant is considered likely benign. This variant is intronic and is not expected to impact mRNA splicing.